The following is an entry in ClinVar:

ClinVar aggregate classification (germline): Likely benign. Review status: criteria provided, multiple submitters, no conflicts (2 of 4 stars). 3 submissions from 3 submitters: Likely benign (3). Last evaluated 2026-02-01.

Conditions:
Hypertrophic cardiomyopathy 26. Also called: Cardiomyopathy, familial hypertrophic, 26. Identifiers: Orphanet 75249, MedGen C4310749, MONDO:0014883, OMIM 617047.
Distal myopathy with posterior leg and anterior hand involvement. Also called: WILLIAMS DISTAL MYOPATHY. Identifiers: Orphanet 63273, MedGen C3279722, MONDO:0013550, OMIM 614065.
Myofibrillar myopathy 5. Also called: Filaminopathy (type); FILAMINOPATHY, AUTOSOMAL DOMINANT. Identifiers: Orphanet 171445, MedGen C1836050, MONDO:0012289, OMIM 609524.
Cardiovascular phenotype. Identifiers: MedGen CN230736.

Allele frequency attached by ClinVar (database versions not stated): gnomAD 0.00001; gnomAD exomes 0.00001; TOPMed 0.00002.

Submissions (3):

Labcorp Genetics (formerly Invitae), Labcorp
Classification: Likely benign for Distal myopathy with posterior leg and anterior hand involvement; Myofibrillar myopathy 5; Hypertrophic cardiomyopathy 26. Last evaluated: 2026-02-01. Review status: criteria provided, single submitter. Criteria: Invitae Variant Classification Sherloc (09022015). Collection method: clinical testing. Allele origin: germline.

Ambry Genetics
Classification: Likely benign for Cardiovascular phenotype. Last evaluated: 2024-06-07. Review status: criteria provided, single submitter. Criteria: Ambry Variant Classification Scheme 2023. Collection method: clinical testing. Allele origin: germline.

CeGaT Center for Human Genetics Tuebingen
Classification: Likely benign. Last evaluated: 2024-05-01. Review status: criteria provided, single submitter. Criteria: CeGaT Center For Human Genetics Tuebingen Variant Classification Criteria Version 2. Collection method: clinical testing. Allele origin: germline. Affected: yes. Observed: 1 variant allele.
Comment: FLNC: BP4, BP7

NM_001458.5(FLNC):c.1224C>T (p.Gly408=)

Gene: FLNC (filamin C; plus strand). Cytogenetic location: 7q32.1.
Variant type: single nucleotide variant.
Coding change: c.1224C>T on transcript NM_001458.5 (MANE Select); coding-DNA position 1224, C replaced by T.
Protein change: p.Gly408=; no amino-acid change (glycine 408 retained).
Molecular consequence: synonymous variant.
Genome position (GRCh38, 1-based): chr7:128,838,616, C>T. VCF-style: chr7-128838616-C-T. GRCh37 (hg19) VCF-style: chr7-128478670-C-T.
Other names: c.1224C>T (NM_001458.4); c.1224C>T, p.Gly408= (NM_001127487.2).
Identifiers: ClinVar variation 1388817 (VCV001388817.26), dbSNP rs1412295566, ClinGen allele CA457846477.